The following is an entry in ClinVar:

ClinVar aggregate classification (germline): Pathogenic (1 of 4 stars; one submission).

Submission:

Labcorp Genetics (formerly Invitae), Labcorp
Classification: Pathogenic. Last evaluated: 2023-12-14. Review status: criteria provided, single submitter. Criteria: Invitae Variant Classification Sherloc (09022015). Collection method: clinical testing. Allele origin: germline.
Comment: This sequence change creates a premature translational stop signal (p.Leu324Profs*9) in the PIGB gene. It is expected to result in an absent or disrupted protein product. Loss-of-function variants in PIGB are known to be pathogenic (PMID: 31256876, 34400385). This variant is present in population databases (rs746861070, gnomAD 0.002%). This variant has not been reported in the literature in individuals affected with PIGB-related conditions. ClinVar contains an entry for this variant (Variation ID: 2180209). For these reasons, this variant has been classified as Pathogenic.

Literature cited by the submitters: PubMed 31256876; PubMed 34400385.

NM_004855.5(PIGB):c.970_973del (p.Leu324fs)

Gene: PIGB (phosphatidylinositol glycan anchor biosynthesis class B; plus strand). Cytogenetic location: 15q21.3.
Variant type: Deletion.
Coding change: c.970_973del on transcript NM_004855.5 (MANE Select); coding-DNA positions 970 to 973, 4 bases deleted (TTAC; older notation c.970_973delTTAC).
Protein change: p.Leu324fs; shifts the reading frame from leucine 324.
Molecular consequence: frameshift variant.
Genome position (GRCh38, 1-based): chr15:55,340,735-55,340,738, TTAC deleted; deleting any 4 consecutive bases within chr15:55,340,733-55,340,738 gives the same sequence; the c. name uses the placement nearest the transcript's 3' end. VCF-style (leftmost placement, unchanged base first): chr15-55340732-CACTT-C. GRCh37 (hg19) VCF-style: chr15-55632930-CACTT-C.
Other names: short protein forms L324fs.
Identifiers: ClinVar variation 2180209 (VCV002180209.4), dbSNP rs746861070, ClinGen allele CA7573977.